The following is an entry in ClinVar:

NM_002168.4(IDH2):c.8G>A (p.Gly3Asp)

Genes: IDH2 (isocitrate dehydrogenase (NADP(+)) 2; minus strand), IDH2-DT (IDH2 divergent transcript; plus strand). Cytogenetic location: 15q26.1.
Variant type: single nucleotide variant.
Coding change: c.8G>A on transcript NM_002168.4 (MANE Select); coding-DNA position 8, G replaced by A.
Protein change: p.Gly3Asp; replaces glycine 3 with aspartic acid.
Molecular consequence: missense variant. On other transcripts: 5 prime UTR variant (1).
Genome position (GRCh38, 1-based): chr15:90,102,383, C>T on the plus strand (G>A on the coding strand, the complement: IDH2 is on the minus strand). VCF-style: chr15-90102383-C-T. GRCh37 (hg19) VCF-style: chr15-90645615-C-T.
Other names: c.-125G>A (NM_001290114.2); short protein forms G3D.
Identifiers: ClinVar variation 4743177 (VCV004743177.1).

ClinVar aggregate classification (germline): Uncertain significance (1 of 4 stars; one submission).

Conditions:
D-2-hydroxyglutaric aciduria 2 (D2HGA2). Identifiers: Orphanet 79315, MedGen C3150909, MONDO:0013345, OMIM 613657.

gnomAD v4.1: 3 of 1,356,802 alleles (0.00022%); highest among the groups gnomAD compares: Non-Finnish European, 0.00029%; no homozygotes.

Submission:

Labcorp Genetics (formerly Invitae), Labcorp
Classification: Uncertain significance for D-2-hydroxyglutaric aciduria 2. Last evaluated: 2025-02-20. Review status: criteria provided, single submitter. Criteria: Invitae Variant Classification Sherloc (09022015). Collection method: clinical testing. Allele origin: germline.
Comment: This sequence change replaces glycine, which is neutral and non-polar, with aspartic acid, which is acidic and polar, at codon 3 of the IDH2 protein (p.Gly3Asp). This variant is not present in population databases (gnomAD no frequency). This variant has not been reported in the literature in individuals affected with IDH2-related conditions. An algorithm developed to predict the effect of missense changes on protein structure and function (PolyPhen-2) suggests that this variant is likely to be disruptive. In summary, the available evidence is currently insufficient to determine the role of this variant in disease. Therefore, it has been classified as a Variant of Uncertain Significance.